The following is an entry in ClinVar:

ClinVar aggregate classification (germline): Uncertain significance. Review status: criteria provided, single submitter (1 of 4 stars). 2 submissions from 2 submitters: Uncertain significance (1). 1 of the submissions does not count toward it. Last evaluated 2021-12-15.

Conditions:
Cutis laxa, X-linked (OHS). Also called: EDS IX; Occipital horn syndrome. Identifiers: Orphanet 198, MedGen C0268353, MONDO:0010572, OMIM 304150.
X-linked distal spinal muscular atrophy type 3. Also called: ATP7A-Related Distal Motor Neuropathy; SPINAL MUSCULAR ATROPHY, DISTAL, X-LINKED RECESSIVE; NEUROPATHY, DISTAL HEREDITARY MOTOR, X-LINKED; NEURONOPATHY, DISTAL HEREDITARY MOTOR, X-LINKED. Identifiers: Orphanet 139557, MedGen C1845359, MONDO:0010338, OMIM 300489.
Menkes kinky-hair syndrome (MNK). Also called: Classic Menkes Disease; Copper transport disease; Menkes Disease. Identifiers: Orphanet 565, MedGen C0022716, MONDO:0010651, OMIM 309400.

Allele frequency attached by ClinVar (database versions not stated): gnomAD exomes below 0.00001.
gnomAD v4.1: 1 of 1,205,280 alleles (0.000083%); highest among the groups gnomAD compares: Non-Finnish European, 0.00011%; no homozygotes.

Submissions (2):

Labcorp Genetics (formerly Invitae), Labcorp
Classification: Uncertain significance for X-linked distal spinal muscular atrophy type 3; Cutis laxa, X-linked; Menkes kinky-hair syndrome. Last evaluated: 2021-12-15. Review status: criteria provided, single submitter. Criteria: Invitae Variant Classification Sherloc (09022015). Collection method: clinical testing. Allele origin: germline.
Comment: In summary, the available evidence is currently insufficient to determine the role of this variant in disease. Therefore, it has been classified as a Variant of Uncertain Significance. Advanced modeling of protein sequence and biophysical properties (such as structural, functional, and spatial information, amino acid conservation, physicochemical variation, residue mobility, and thermodynamic stability) performed at Invitae indicates that this missense variant is not expected to disrupt ATP7A protein function. This variant has not been reported in the literature in individuals affected with ATP7A-related conditions. This variant is not present in population databases (gnomAD no frequency). This sequence change replaces alanine, which is neutral and non-polar, with threonine, which is neutral and polar, at codon 951 of the ATP7A protein (p.Ala951Thr).

Natera, Inc.
Classification: Uncertain significance for Menkes kinky hair syndrome. Last evaluated: 2025-04-10. Review status: no assertion criteria provided. Collection method: clinical testing. Allele origin: germline. Not counted in ClinVar's aggregate classification.

NM_000052.7(ATP7A):c.2851G>A (p.Ala951Thr)

Gene: ATP7A (ATPase copper transporting alpha; plus strand). Cytogenetic location: Xq21.1.
Variant type: single nucleotide variant.
Coding change: c.2851G>A on transcript NM_000052.7 (MANE Select); coding-DNA position 2851, G replaced by A.
Protein change: p.Ala951Thr; replaces alanine 951 with threonine.
Molecular consequence: missense variant.
Genome position (GRCh38, 1-based): chrX:78,021,014, G>A. VCF-style: chrX-78021014-G-A. GRCh37 (hg19) VCF-style: chrX-77276511-G-A.
Other names: c.2617G>A, p.Ala873Thr (NM_001282224.2); c.2851G>A (NM_000052.6); short protein forms A951T, A873T.
Identifiers: ClinVar variation 1385073 (VCV001385073.7), dbSNP rs1557235719, ClinGen allele CA413602838.